The following is an entry in ClinVar:

ClinVar aggregate classification (germline): Likely pathogenic. Review status: criteria provided, multiple submitters, no conflicts (2 of 4 stars). 2 submissions from 2 submitters: Likely pathogenic (2). Last evaluated 2025-04-30.

Conditions:
Hereditary cancer-predisposing syndrome. Also called: Hereditary neoplastic syndrome; Tumor predisposition; Neoplastic Syndromes, Hereditary; Hereditary Cancer Syndrome. Identifiers: Orphanet 140162, MedGen C0027672, MeSH D009386, MONDO:0015356.

Submissions (2):

Ambry Genetics
Classification: Likely pathogenic for Hereditary cancer-predisposing syndrome. Last evaluated: 2025-04-30. Review status: criteria provided, single submitter. Criteria: Ambry Variant Classification Scheme 2023. Collection method: clinical testing. Allele origin: germline.
Comment: The p.C249Y variant (also known as c.746G>A), located in coding exon 7 of the SDHB gene, results from a G to A substitution at nucleotide position 746. The cysteine at codon 249 is replaced by tyrosine, an amino acid with highly dissimilar properties. This alteration has been identified in a individuals with paragangliomas and/or pheochromocytomas (Burnichon N et al. J Clin Endocrinol Metab, 2009 Aug;94:2817-27; Garrett A et al. Genet Med, 2022 Jan;24:41-50; Saie C et al. J Clin Endocrinol Metab, 2021 Mar;106:e1301-e1315). This alteration is located within the 4Fe-4S dicluster domain of SDHB, and is expected to be destabilizing to the protein (Ambry internal data). This amino acid position is highly conserved in available vertebrate species. In addition, this alteration is predicted to be deleterious by in silico analysis. Based on the majority of available evidence to date, this variant is likely to be pathogenic.

GeneDx
Classification: Likely pathogenic. Last evaluated: 2017-02-15. Review status: criteria provided, single submitter. Criteria: GeneDx Variant Classification (06012015). Collection method: clinical testing. Allele origin: germline. Affected: yes.
Comment: This variant is denoted SDHB c.746G>A at the cDNA level, p.Cys249Tyr (C249Y) at the protein level, and results in the change of a Cysteine to a Tyrosine (TGC>TAC). This variant has been reported in at least one individual with a paraganglioma (Burnichon 2009, Buffet 2012). SDHB Cys249Tyr failed to form a complete succinate dehydrogenase (SDH) complex and was unable restore SDH activity in a SDHB-deficient RCC cell line (Saxena 2016). SDHB Cys249Tyr was not observed in approximately 6,500 individuals of European and African American ancestry in the NHLBI Exome Sequencing Project, suggesting it is not a common benign variant in these populations. Since Cysteine and Tyrosine differ in polarity, charge, size or other properties, this is considered a non-conservative amino acid substitution. SDHB Cys249Tyr occurs at a position that is conserved across species and is located within the iron-sulfur clusters (Saxena 2016, UniProt). In silico analyses predict that this variant is probably damaging to protein structure and function. Based on the currently available evidence, we consider SDHB Cys249Tyr to be a likely pathogenic variant.

Literature cited by the submitters: PubMed 19454582 (cited by Ambry Genetics); PubMed 33247927 (cited by Ambry Genetics); PubMed 34906457 (cited by Ambry Genetics).

NM_003000.3(SDHB):c.746G>A (p.Cys249Tyr)

Gene: SDHB (succinate dehydrogenase complex iron sulfur subunit B; minus strand). Cytogenetic location: 1p36.13.
Variant type: single nucleotide variant.
Coding change: c.746G>A on transcript NM_003000.3 (MANE Select); coding-DNA position 746, G replaced by A.
Protein change: p.Cys249Tyr; replaces cysteine 249 with tyrosine.
Molecular consequence: missense variant.
Genome position (GRCh38, 1-based): chr1:17,022,627, C>T on the plus strand (G>A on the coding strand, the complement: SDHB is on the minus strand). VCF-style: chr1-17022627-C-T. GRCh37 (hg19) VCF-style: chr1-17349122-C-T.
Other names: short protein forms C249Y.
Identifiers: ClinVar variation 420071 (VCV000420071.3), dbSNP rs1064794269, ClinGen allele CA16617020.
Genomic context (GRCh38, chr1:17,022,627, plus strand): 5'-TCAGCTCTGAGGCAGAGCTGAGGGTCACCAGCCCCACGTACCTTAGGACAGGTCCTTGTG[C>T]AGTTCATGATGGTGTGGCAGCGGTATAGAGAGAATGGGTCCTGCAGCTTGGCCAGGCGCT-3'
Protein context (NP_002991.2, residues 239-259): SLYRCHTIMN[Cys249Tyr]TRTCPKGLNP